The following is an entry in ClinVar:

ClinVar aggregate classification (germline): Uncertain significance. Review status: criteria provided, multiple submitters, no conflicts (2 of 4 stars). 2 submissions from 2 submitters: Uncertain significance (2). Last evaluated 2025-12-21.

Conditions:
Familial temporal lobe epilepsy 7. Identifiers: Orphanet 101046, MedGen C4225327, MONDO:0014639, OMIM 616436.
Norman-Roberts syndrome (LIS2). Also called: Lissencephaly 2 (Norman-Roberts type). Identifiers: Orphanet 89844, MedGen C0796089, MONDO:0009760, OMIM 257320.

Allele frequency attached by ClinVar (database versions not stated): gnomAD 0.00003 and 0.00004; TOPMed 0.00005; ExAC 0.00007; gnomAD exomes 0.00007 and 0.00008; ESP Exome Variant Server 0.00015.
gnomAD v4.1: 104 of 1,614,056 alleles (0.0064%); highest among the groups gnomAD compares: Middle Eastern, 0.016%; no homozygotes.

Submissions (2):

Labcorp Genetics (formerly Invitae), Labcorp
Classification: Uncertain significance for Familial temporal lobe epilepsy 7; Norman-Roberts syndrome. Last evaluated: 2025-12-21. Review status: criteria provided, single submitter. Criteria: Invitae Variant Classification Sherloc (09022015). Collection method: clinical testing. Allele origin: germline.
Comment: This sequence change replaces glycine, which is neutral and non-polar, with serine, which is neutral and polar, at codon 2690 of the RELN protein (p.Gly2690Ser). This variant is present in population databases (rs201264902, gnomAD 0.01%). This variant has not been reported in the literature in individuals affected with RELN-related conditions. ClinVar contains an entry for this variant (Variation ID: 1053219). Invitae Evidence Modeling of protein sequence and biophysical properties (such as structural, functional, and spatial information, amino acid conservation, physicochemical variation, residue mobility, and thermodynamic stability) indicates that this missense variant is not expected to disrupt RELN protein function with a negative predictive value of 80%. In summary, the available evidence is currently insufficient to determine the role of this variant in disease. Therefore, it has been classified as a Variant of Uncertain Significance.

Blueprint Genetics
Classification: Uncertain significance. Last evaluated: 2024-05-15. Review status: criteria provided, single submitter. Criteria: ACMG Guidelines, 2015. Collection method: clinical testing. Allele origin: germline.

NM_005045.4(RELN):c.8068G>A (p.Gly2690Ser)

Gene: RELN (reelin; minus strand). Cytogenetic location: 7q22.1.
Variant type: single nucleotide variant.
Coding change: c.8068G>A on transcript NM_005045.4 (MANE Select); coding-DNA position 8068, G replaced by A.
Protein change: p.Gly2690Ser; replaces glycine 2690 with serine.
Molecular consequence: missense variant.
Genome position (GRCh38, 1-based): chr7:103,515,236, C>T on the plus strand (G>A on the coding strand, the complement: RELN is on the minus strand). VCF-style: chr7-103515236-C-T. GRCh37 (hg19) VCF-style: chr7-103155683-C-T.
Other names: c.8068G>A, p.Gly2690Ser (NM_173054.3); short protein forms G2690S.
Identifiers: ClinVar variation 1053219 (VCV001053219.9), dbSNP rs201264902, ClinGen allele CA4420569.